The following is an entry in ClinVar:

ClinVar aggregate classification (germline): Uncertain significance. Review status: criteria provided, multiple submitters, no conflicts (2 of 4 stars). 2 submissions from 2 submitters: Uncertain significance (2). Last evaluated 2024-11-06.

Conditions:
Inborn genetic diseases. Identifiers: MedGen C0950123, MeSH D030342.

Allele frequency attached by ClinVar (database versions not stated): gnomAD exomes below 0.00001.
gnomAD v4.1: 1 of 1,614,056 alleles (0.000062%); highest among the groups gnomAD compares: Non-Finnish European, 0.000085%; no homozygotes.

Submissions (2):

Labcorp Genetics (formerly Invitae), Labcorp
Classification: Uncertain significance. Last evaluated: 2024-11-06. Review status: criteria provided, single submitter. Criteria: Invitae Variant Classification Sherloc (09022015). Collection method: clinical testing. Allele origin: germline.
Comment: This sequence change replaces alanine, which is neutral and non-polar, with threonine, which is neutral and polar, at codon 359 of the DVL3 protein (p.Ala359Thr). This variant is not present in population databases (gnomAD no frequency). This variant has not been reported in the literature in individuals affected with DVL3-related conditions. ClinVar contains an entry for this variant (Variation ID: 2108653). Invitae Evidence Modeling of protein sequence and biophysical properties (such as structural, functional, and spatial information, amino acid conservation, physicochemical variation, residue mobility, and thermodynamic stability) indicates that this missense variant is expected to disrupt DVL3 protein function with a positive predictive value of 80%. In summary, the available evidence is currently insufficient to determine the role of this variant in disease. Therefore, it has been classified as a Variant of Uncertain Significance.

Ambry Genetics
Classification: Uncertain significance for Inborn genetic diseases. Last evaluated: 2024-03-04. Review status: criteria provided, single submitter. Criteria: Ambry Variant Classification Scheme 2023. Collection method: clinical testing. Allele origin: germline.

NM_004423.4(DVL3):c.1075G>A (p.Ala359Thr)

Gene: DVL3 (dishevelled segment polarity protein 3; plus strand). Cytogenetic location: 3q27.1.
Variant type: single nucleotide variant.
Coding change: c.1075G>A on transcript NM_004423.4 (MANE Select); coding-DNA position 1075, G replaced by A.
Protein change: p.Ala359Thr; replaces alanine 359 with threonine.
Molecular consequence: missense variant.
Genome position (GRCh38, 1-based): chr3:184,166,852, G>A. VCF-style: chr3-184166852-G-A. GRCh37 (hg19) VCF-style: chr3-183884640-G-A.
Other names: c.1075G>A (NM_004423.3); short protein forms A359T.
Identifiers: ClinVar variation 2108653 (VCV002108653.5), dbSNP rs765876984, ClinGen allele CA88854504.
Genomic context (GRCh38, chr3:184,166,852, plus strand): 5'-GTGGGTAGCCCATGACTCCTCATCCTCCCTGCAGGCGAGCCCATCCGGCCCATTGACCCT[G>A]CGGCCTGGGTCTCCCACACTGCAGCCATGACCGGCACCTTCCCTGCATACGGCATGAGCC-3'
Protein context (NP_004414.3, residues 349-369): RSEPIRPIDP[Ala359Thr]AWVSHTAAMT